The following is an entry in ClinVar:

NM_006269.2(RP1):c.5509G>T (p.Val1837Phe)

Genes: RP1 (RP1 axonemal microtubule associated; plus strand), LOC126860392 (CDK7 strongly-dependent group 2 enhancer GRCh37_chr8:55541319-55542518; plus strand). Cytogenetic location: 8q12.1.
Variant type: single nucleotide variant.
Coding change: c.5509G>T on transcript NM_006269.2 (MANE Select); coding-DNA position 5509, G replaced by T.
Protein change: p.Val1837Phe; replaces valine 1837 with phenylalanine.
Molecular consequence: missense variant. On other transcripts: intron variant (1).
Genome position (GRCh38, 1-based): chr8:54,629,391, G>T. VCF-style: chr8-54629391-G-T. GRCh37 (hg19) VCF-style: chr8-55541951-G-T.
Other names: c.787+7103G>T (NM_001375654.1); short protein forms V1837F.
Identifiers: ClinVar variation 1911911 (VCV001911911.6), dbSNP rs141193718, ClinGen allele CA370986868.

ClinVar aggregate classification (germline): Uncertain significance. Review status: criteria provided, single submitter (1 of 4 stars). 2 submissions from 2 submitters: Uncertain significance (1). 1 of the submissions does not count toward it. Last evaluated 2025-09-02.

Conditions:
Retinal dystrophy. Also called: Inherited retinal dystrophy. Identifiers: Orphanet 71862, MedGen C0854723, MeSH D058499, MONDO:0019118, HP:0000556.

gnomAD v4.1: 2 of 1,613,984 alleles (0.00012%); highest among the groups gnomAD compares: Non-Finnish European, 0.000085%; no homozygotes.

Submissions (2):

Labcorp Genetics (formerly Invitae), Labcorp
Classification: Uncertain significance. Last evaluated: 2025-09-02. Review status: criteria provided, single submitter. Criteria: Invitae Variant Classification Sherloc (09022015). Collection method: clinical testing. Allele origin: germline.
Comment: This sequence change replaces valine, which is neutral and non-polar, with phenylalanine, which is neutral and non-polar, at codon 1837 of the RP1 protein (p.Val1837Phe). This variant is not present in population databases (gnomAD no frequency). This variant has not been reported in the literature in individuals affected with RP1-related conditions. ClinVar contains an entry for this variant (Variation ID: 1911911). An algorithm developed to predict the effect of missense changes on protein structure and function (PolyPhen-2) suggests that this variant is likely to be disruptive. In summary, the available evidence is currently insufficient to determine the role of this variant in disease. Therefore, it has been classified as a Variant of Uncertain Significance.

Institute of Human Genetics, Univ. Regensburg, Univ. Regensburg
Classification: Uncertain significance for Retinal dystrophy. Last evaluated: 2022-01-01. Review status: no assertion criteria provided. Criteria: ACMG Guidelines, 2015. Collection method: clinical testing. Allele origin: germline. Affected: yes. Not counted in ClinVar's aggregate classification.